The following is an entry in ClinVar:

ClinVar aggregate classification (germline): Pathogenic (1 of 4 stars; one submission).

Submission:

Quest Diagnostics Nichols Institute San Juan Capistrano
Classification: Pathogenic. Last evaluated: 2022-10-10. Review status: criteria provided, single submitter. Criteria: ACMG/ClinGen CNV Guidelines, 2019. Collection method: clinical testing. Allele origin: unknown.
Comment: The copy number loss of 7q22.3q31.1 involves numerous protein-coding genes, including KMT2E (OMIM 608444). Haploinsufficiency of KMT2E is associated with autosomal dominant O'Donnell-Luria-Rodan syndrome (ODLURO; OMIM 618512, Kosma 2021, O'Donnel-Luria 2019, Velmans 2022). As there are no similar copy number losses of this region in the general populations of the Database of Genomic Variants, based on current medical literature and gene content, this copy number variant (CNV) is interpreted as pathogenic. References: O'Donnell-Luria et al., Am J Hum Genet. 2019 Jun 6;104(6):1210-1222. PMID: 31079897 Kosma et al., Mol Syndromol. 2021 Aug;12(5):321-326. PMID: 34602960 Velmans et al., J Med Genet. 2022 Jul;59(7):697-705. PMID: 34321323

GRCh37/hg19 7q22.3-31.1(chr7:104536649-109624996)x1

Genes: ATXN7L1 (ataxin 7 like 1; minus strand), BCAP29 (B cell receptor associated protein 29; plus strand), CBLL1 (Cbl proto-oncogene like 1; plus strand), CCDC71L (coiled-coil domain containing 71 like; minus strand), CDHR3 (cadherin related family member 3; plus strand) and 23 more. Cytogenetic location: 7q22.3-31.1.
Variant type: copy number loss.
Change: copy number 1 (one copy instead of two) of chr7:104,536,649-109,624,996 (5.09 Mb, GRCh37 coordinates, 1-based), cytogenetic band 7q22.3-31.1.
Identifiers: ClinVar variation 2685260 (VCV002685260.1).